The following is an entry in ClinVar:

NM_004473.4(FOXE1):c.482T>G (p.Met161Arg)

Gene: FOXE1 (forkhead box E1; plus strand). Cytogenetic location: 9q22.33.
Variant type: single nucleotide variant.
Coding change: c.482T>G on transcript NM_004473.4 (MANE Select); coding-DNA position 482, T replaced by G.
Protein change: p.Met161Arg; replaces methionine 161 with arginine.
Molecular consequence: missense variant.
Genome position (GRCh38, 1-based): chr9:97,854,396, T>G. VCF-style: chr9-97854396-T-G. GRCh37 (hg19) VCF-style: chr9-100616678-T-G.
Other names: short protein forms M161R.
Identifiers: ClinVar variation 3896569 (VCV003896569.2).

ClinVar aggregate classification (germline): Uncertain significance (1 of 4 stars; one submission).

Submission:

Women's Health and Genetics/Laboratory Corporation of America, LabCorp
Classification: Uncertain significance. Last evaluated: 2025-04-01. Review status: criteria provided, single submitter. Criteria: LabCorp Variant Classification Summary - May 2015. Collection method: clinical testing. Allele origin: germline.
Comment: Variant summary: FOXE1 c.482T>G (p.Met161Arg) results in a non-conservative amino acid change in the encoded protein sequence. Three of five in-silico tools predict a benign effect of the variant on protein function. The variant was absent in 120358 control chromosomes. The available data on variant occurrences in the general population are insufficient to allow any conclusion about variant significance. To our knowledge, no occurrence of c.482T>G in individuals affected with Bamforth-Lazarus Syndrome and no experimental evidence demonstrating its impact on protein function have been reported. No submitters have cited clinical-significance assessments for this variant to ClinVar. Based on the evidence outlined above, the variant was classified as uncertain significance.